The following is an entry in ClinVar:

ClinVar aggregate classification (germline): Uncertain significance. Review status: criteria provided, multiple submitters, no conflicts (2 of 4 stars). 3 submissions from 3 submitters: Uncertain significance (3). Last evaluated 2025-11-09.

Conditions:
Inborn genetic diseases. Identifiers: MedGen C0950123, MeSH D030342.
Baller-Gerold syndrome (BGS). Also called: CRANIOSYNOSTOSIS WITH RADIAL DEFECTS. Identifiers: Orphanet 1225, MedGen C0265308, MONDO:0009039, OMIM 218600.

Allele frequency attached by ClinVar (database versions not stated): TOPMed below 0.00001; ESP Exome Variant Server 0.00008.
gnomAD v4.1: 17 of 1,602,872 alleles (0.0011%); highest among the groups gnomAD compares: Non-Finnish European, 0.00051%; no homozygotes.

Submissions (3):

Ambry Genetics
Classification: Uncertain significance for Inborn genetic diseases. Last evaluated: 2025-11-09. Review status: criteria provided, single submitter. Criteria: Ambry Variant Classification Scheme 2023. Collection method: clinical testing. Allele origin: germline.
Comment: The p.D914N variant (also known as c.2740G>A), located in coding exon 15 of the RECQL4 gene, results from a G to A substitution at nucleotide position 2740. The aspartic acid at codon 914 is replaced by asparagine, an amino acid with highly similar properties. This amino acid position is conserved. Based on the available evidence, the clinical significance of this variant remains unclear.

Labcorp Genetics (formerly Invitae), Labcorp
Classification: Uncertain significance for Baller-Gerold syndrome. Last evaluated: 2024-08-18. Review status: criteria provided, single submitter. Criteria: Invitae Variant Classification Sherloc (09022015). Collection method: clinical testing. Allele origin: germline.
Comment: This sequence change replaces aspartic acid, which is acidic and polar, with asparagine, which is neutral and polar, at codon 914 of the RECQL4 protein (p.Asp914Asn). This variant is present in population databases (rs371327041, gnomAD 0.04%). This variant has not been reported in the literature in individuals affected with RECQL4-related conditions. ClinVar contains an entry for this variant (Variation ID: 459428). Invitae Evidence Modeling of protein sequence and biophysical properties (such as structural, functional, and spatial information, amino acid conservation, physicochemical variation, residue mobility, and thermodynamic stability) indicates that this missense variant is expected to disrupt RECQL4 protein function with a positive predictive value of 80%. In summary, the available evidence is currently insufficient to determine the role of this variant in disease. Therefore, it has been classified as a Variant of Uncertain Significance.

Institute for Clinical Genetics, University Hospital TU Dresden, University Hospital TU Dresden
Classification: Uncertain significance. Last evaluated: 2021-11-03. Review status: criteria provided, single submitter. Criteria: ACMG Guidelines, 2015. Collection method: clinical testing. Allele origin: germline.

NM_004260.4(RECQL4):c.2740G>A (p.Asp914Asn)

Gene: RECQL4 (RecQ like helicase 4; minus strand). Cytogenetic location: 8q24.3.
Variant type: single nucleotide variant.
Coding change: c.2740G>A on transcript NM_004260.4 (MANE Select); coding-DNA position 2740, G replaced by A.
Protein change: p.Asp914Asn; replaces aspartic acid 914 with asparagine.
Molecular consequence: missense variant.
Genome position (GRCh38, 1-based): chr8:144,512,862, C>T on the plus strand (G>A on the coding strand, the complement: RECQL4 is on the minus strand). VCF-style: chr8-144512862-C-T. GRCh37 (hg19) VCF-style: chr8-145738245-C-T.
Other names: short protein forms D914N.
Identifiers: ClinVar variation 459428 (VCV000459428.12), dbSNP rs371327041, ClinGen allele CA4948129.